The following is an entry in ClinVar:

ClinVar aggregate classification (germline): Pathogenic (1 of 4 stars; one submission).

Conditions:
X-linked agammaglobulinemia with growth hormone deficiency (IGHD3). Also called: AGAMMAGLOBULINEMIA AND ISOLATED GROWTH HORMONE DEFICIENCY, X-LINKED; ISOLATED GROWTH HORMONE DEFICIENCY, TYPE III, WITH AGAMMAGLOBULINEMIA; FLEISHER SYNDROME; HYPOGAMMAGLOBULINEMIA AND ISOLATED GROWTH HORMONE DEFICIENCY, X-LINKED; IGHD III; Isolated growth hormone deficiency type 3. Identifiers: Orphanet 231692, Orphanet 631, MedGen C0472813, MONDO:0010615, OMIM 307200.

Submission:

Labcorp Genetics (formerly Invitae), Labcorp
Classification: Pathogenic for X-linked agammaglobulinemia with growth hormone deficiency. Last evaluated: 2024-06-17. Review status: criteria provided, single submitter. Criteria: Invitae Variant Classification Sherloc (09022015). Collection method: clinical testing. Allele origin: germline.
Comment: This sequence change creates a premature translational stop signal (p.Trp252Glyfs*25) in the BTK gene. It is expected to result in an absent or disrupted protein product. Loss-of-function variants in BTK are known to be pathogenic (PMID: 15661032, 16862044, 19419768). This variant is not present in population databases (gnomAD no frequency). This variant has not been reported in the literature in individuals affected with BTK-related conditions. For these reasons, this variant has been classified as Pathogenic.

Literature cited by the submitters: PubMed 15661032; PubMed 16862044; PubMed 19419768.

NM_000061.3(BTK):c.754del (p.Trp252fs)

Gene: BTK (Bruton tyrosine kinase; minus strand). Cytogenetic location: Xq22.1.
Variant type: Deletion.
Coding change: c.754del on transcript NM_000061.3 (MANE Select); coding-DNA position 754, one base deleted (T; older notation c.754delT).
Protein change: p.Trp252fs; shifts the reading frame from tryptophan 252.
Molecular consequence: frameshift variant.
Genome position (GRCh38, 1-based): chrX:101,360,590, A deleted on the plus strand (T on the coding strand, the reverse complement: BTK is on the minus strand). VCF-style (leftmost placement, unchanged base first): chrX-101360589-CA-C. GRCh37 (hg19) VCF-style: chrX-100615577-CA-C.
Other names: c.856del, p.Trp286fs (NM_001287344.2); c.754del, p.Trp252fs (NM_001287345.2); short protein forms W286fs, W252fs.
Identifiers: ClinVar variation 2817165 (VCV002817165.3), dbSNP rs2520589915, ClinGen allele CA2739273644.